The following is an entry in ClinVar:

ClinVar aggregate classification (germline): Uncertain significance (1 of 4 stars; one submission).

Conditions:
Progressive muscular dystrophy. Identifiers: Orphanet 206644, MedGen C4551827, MONDO:0016106.

gnomAD v4.1: 1 of 1,210,297 alleles (0.000083%); no homozygotes.

Submission:

Myriad Genetics, Inc.
Classification: Uncertain significance for Progressive muscular dystrophy. Last evaluated: 2026-08-03. Review status: criteria provided, single submitter. Criteria: Myriad Autosomal Dominant, Autosomal Recessive and X-Linked Classification Criteria (2023). Collection method: clinical testing. Allele origin: unknown.
Comment: NM_004006.2(DMD):c.2096C>T(A699V) is a missense variant classified as a variant of uncertain significance in the context of dystrophinopathy (including Duchenne/Becker muscular dystrophy). A699V has been observed in a case with relevant disease (PMID: 39712290). Relevant functional assessments of this variant are not available in the literature. A699V has not been observed in referenced population frequency databases. In summary, there is insufficient evidence to classify NM_004006.2(DMD):c.2096C>T(A699V) as pathogenic or benign. Please note: this variant was assessed in the context of healthy population screening.

Literature cited by the submitters: PubMed 39712290.

NM_004006.3(DMD):c.2096C>T (p.Ala699Val)

Gene: DMD (dystrophin; minus strand). Cytogenetic location: Xp21.1.
Variant type: single nucleotide variant.
Coding change: c.2096C>T on transcript NM_004006.3 (MANE Select); coding-DNA position 2096, C replaced by T.
Protein change: p.Ala699Val; replaces alanine 699 with valine.
Molecular consequence: missense variant.
Genome position (GRCh38, 1-based): chrX:32,545,231, G>A on the plus strand (C>T on the coding strand, the complement: DMD is on the minus strand). VCF-style: chrX-32545231-G-A. GRCh37 (hg19) VCF-style: chrX-32563348-G-A.
Other names: c.2072C>T, p.Ala691Val (NM_000109.4); c.2084C>T, p.Ala695Val (NM_004009.3); c.1727C>T, p.Ala576Val (NM_004010.3); short protein forms A691V, A699V, A576V, A695V.
Identifiers: ClinVar variation 5004664 (VCV005004664.1).
Genomic context (GRCh38, chrX:32,545,231, plus strand): 5'-TCAGAATCCACAGTAATCTGCCTCTTCTTTTGGGGAGGTGGTGGTGGAAGTTCCTCTTGA[G>A]CATGCTTTACCAGGATCTGTTCCCTTGTGGTCACCGTAGTTACTGTTTCCATTACAGTTG-3'
Protein context (NP_003997.2, residues 689-709): TTREQILVKH[Ala699Val]QEELPPPPPQ